The following is an entry in ClinVar:

ClinVar aggregate classification (germline): Pathogenic (1 of 4 stars; one submission).

Conditions:
Ellis-van Creveld syndrome (EVC). Also called: EVC-Related Ellis-van Creveld Syndrome; EVC2-Related Ellis-van Creveld Syndrome; MESOECTODERMAL DYSPLASIA; Chondroectodermal dysplasia. Identifiers: Orphanet 289, MedGen C0013903, MONDO:0009162, OMIM 225500.
Curry-Hall syndrome (WAD). Also called: WEYERS ACRODENTAL DYSOSTOSIS. Identifiers: Orphanet 952, MedGen C0457013, MONDO:0008673, OMIM 193530.

Submission:

Labcorp Genetics (formerly Invitae), Labcorp
Classification: Pathogenic for Curry-Hall syndrome; Ellis-van Creveld syndrome. Last evaluated: 2023-09-21. Review status: criteria provided, single submitter. Criteria: Invitae Variant Classification Sherloc (09022015). Collection method: clinical testing. Allele origin: germline.
Comment: For these reasons, this variant has been classified as Pathogenic. ClinVar contains an entry for this variant (Variation ID: 1458526). This premature translational stop signal has been observed in individual(s) with clinical features of EVC-related conditions (PMID: 26625674). This variant is not present in population databases (gnomAD no frequency). This sequence change creates a premature translational stop signal (p.Pro551Argfs*7) in the EVC gene. It is expected to result in an absent or disrupted protein product. Loss-of-function variants in EVC are known to be pathogenic (PMID: 23220543).

Literature cited by the submitters: PubMed 26625674; PubMed 23220543.

NM_153717.3(EVC):c.1652del (p.Pro551fs)

Gene: EVC (EvC ciliary complex subunit 1; plus strand). Cytogenetic location: 4p16.2.
Variant type: Deletion.
Coding change: c.1652del on transcript NM_153717.3 (MANE Select); coding-DNA position 1652, one base deleted (C; older notation c.1652delC).
Protein change: p.Pro551fs; shifts the reading frame from proline 551.
Molecular consequence: frameshift variant.
Genome position (GRCh38, 1-based): chr4:5,783,640, C deleted; the last of 6 consecutive C bases (chr4:5,783,635-5,783,640); deleting any one gives the same sequence. VCF-style (leftmost placement, unchanged base first): chr4-5783634-TC-T. GRCh37 (hg19) VCF-style: chr4-5785361-TC-T.
Other names: c.1652del, p.Pro551fs (NM_001306090.2); short protein forms P551fs.
Identifiers: ClinVar variation 1458526 (VCV001458526.7), dbSNP rs1312383000, ClinGen allele CA438209694.
Genomic context (GRCh38, chr4:5,783,634, plus strand): 5'-ACACTTTCCAGAAGTTCGTGGATGCCCTGTTCCTTCAGACGCTCCCTGGCATGACTGGCC[TC>T]CCCCCGGAAGAGTGTGACTACTTGAGGCAGGAAGTCCAGGAGAACGCTGCCTGGCAGCTG-3'